The following is an entry in ClinVar:

NM_004977.3(KCNC3):c.625_633del (p.Gly209_Ala211del)

Gene: KCNC3 (potassium voltage-gated channel subfamily C member 3; minus strand). Cytogenetic location: 19q13.33.
Variant type: Deletion.
Coding change: c.625_633del on transcript NM_004977.3 (MANE Select); coding-DNA positions 625 to 633, 9 bases deleted (GGCGCCGCC; older notation c.625_633delGGCGCCGCC).
Protein change: p.Gly209_Ala211del.
Molecular consequence: inframe deletion.
Genome position (GRCh38, 1-based): chr19:50,328,450-50,328,458, GGCGGCGCC deleted on the plus strand (GGCGCCGCC on the coding strand, the reverse complement: KCNC3 is on the minus strand). VCF-style (leftmost placement, unchanged base first): chr19-50328449-TGGCGGCGCC-T. GRCh37 (hg19) VCF-style: chr19-50831706-TGGCGGCGCC-T.
Other names: c.397_405del, p.Gly133_Ala135del (NM_001372305.1); c.625_633delGGCGCCGCC (NM_004977.3).
Identifiers: ClinVar variation 1919552 (VCV001919552.8), dbSNP rs750739114, ClinGen allele CA9594353.

ClinVar aggregate classification (germline): Uncertain significance. Review status: criteria provided, multiple submitters, no conflicts (2 of 4 stars). 4 submissions from 4 submitters: Uncertain significance (4). Last evaluated 2025-06-17.

Conditions:
Inborn genetic diseases. Identifiers: MedGen C0950123, MeSH D030342.

Allele frequency attached by ClinVar (database versions not stated): gnomAD 0.00001; gnomAD exomes 0.00001; TOPMed 0.00002; ExAC 0.00009.

Submissions (4):

Women's Health and Genetics/Laboratory Corporation of America, LabCorp
Classification: Uncertain significance. Last evaluated: 2025-06-17. Review status: criteria provided, single submitter. Criteria: LabCorp Variant Classification Summary - May 2015. Collection method: clinical testing. Allele origin: germline.
Comment: Variant summary: KCNC3 c.625_633delGGCGCCGCC (p.Gly209_Ala211del) results in an in-frame deletion that is predicted to remove three amino acids from the encoded protein. The variant allele was found at a frequency of 2e-05 in 202672 control chromosomes. The available data on variant occurrences in the general population are insufficient to allow any conclusion about variant significance. To our knowledge, no occurrence of c.625_633delGGCGCCGCC in individuals affected with Spinocerebellar Ataxia Type 13 and no experimental evidence demonstrating its impact on protein function have been reported. ClinVar contains an entry for this variant (Variation ID: 1919552). Based on the evidence outlined above, the variant was classified as uncertain significance.

Blueprint Genetics
Classification: Uncertain significance. Last evaluated: 2024-09-11. Review status: criteria provided, single submitter. Criteria: ACMG Guidelines, 2015. Collection method: clinical testing. Allele origin: germline.

Ambry Genetics
Classification: Uncertain significance for Inborn genetic diseases. Last evaluated: 2022-04-20. Review status: criteria provided, single submitter. Criteria: Ambry Variant Classification Scheme 2023. Collection method: clinical testing. Allele origin: germline.
Comment: The c.625_633delGGCGCCGCC (p.G209_A211del) alteration is located in exon 1 (coding exon 1) of the KCNC3 gene. This alteration consists of an in-frame deletion of 9 nucleotides between nucleotide positions c.625 and c.633, resulting in the deletion of <NA> residues. Based on insufficient or conflicting evidence, the clinical significance of this alteration remains unclear.

Labcorp Genetics (formerly Invitae), Labcorp
Classification: Uncertain significance. Last evaluated: 2021-12-21. Review status: criteria provided, single submitter. Criteria: Invitae Variant Classification Sherloc (09022015). Collection method: clinical testing. Allele origin: germline.
Comment: In summary, the available evidence is currently insufficient to determine the role of this variant in disease. Therefore, it has been classified as a Variant of Uncertain Significance. This variant, c.625_633del, results in the deletion of 3 amino acid(s) of the KCNC3 protein (p.Gly209_Ala211del), but otherwise preserves the integrity of the reading frame. This variant is present in population databases (rs750739114, gnomAD 0.001%). This variant has not been reported in the literature in individuals affected with KCNC3-related conditions. Experimental studies and prediction algorithms are not available or were not evaluated, and the functional significance of this variant is currently unknown.